The following is an entry in ClinVar:

ClinVar aggregate classification (germline): Likely benign (0 of 4 stars; one submission).

Conditions:
LEPR-related disorder. Also called: LEPR-related condition; LEPR-related disorders.

Submission:

PreventionGenetics, part of Exact Sciences
Classification: Likely benign for LEPR-related condition. Last evaluated: 2024-01-03. Review status: no assertion criteria provided. Collection method: clinical testing. Allele origin: germline.
Comment: This variant is classified as likely benign based on ACMG/AMP sequence variant interpretation guidelines (Richards et al. 2015 PMID: 25741868, with internal and published modifications).

NM_002303.6(LEPR):c.371-8A>C

Gene: LEPR (leptin receptor; plus strand). Cytogenetic location: 1p31.3.
Variant type: single nucleotide variant.
Coding change: c.371-8A>C on transcript NM_002303.6 (MANE Select); 8 bases into the intron before coding-DNA position 371, A replaced by C.
Molecular consequence: intron variant.
Genome position (GRCh38, 1-based): chr1:65,572,318, A>C. VCF-style: chr1-65572318-A-C. GRCh37 (hg19) VCF-style: chr1-66038001-A-C.
Other names: c.371-8A>C (NM_001003679.3, NM_001003680.3, NM_001198689.2 and 2 more transcripts).
Identifiers: ClinVar variation 3029158 (VCV003029158.2), dbSNP rs779920908, ClinGen allele CA2740090749.